The following is an entry in ClinVar:

ClinVar aggregate classification (germline): Uncertain significance (1 of 4 stars; one submission).

Conditions:
Cardiovascular phenotype. Identifiers: MedGen CN230736.

Submission:

Ambry Genetics
Classification: Uncertain significance for Cardiovascular phenotype. Last evaluated: 2024-01-03. Review status: criteria provided, single submitter. Criteria: Ambry Variant Classification Scheme 2023. Collection method: clinical testing. Allele origin: germline.
Comment: The p.R50S variant (also known as c.148C>A), located in coding exon 1 of the KCNJ5 gene, results from a C to A substitution at nucleotide position 148. The arginine at codon 50 is replaced by serine, an amino acid with dissimilar properties. This amino acid position is highly conserved in available vertebrate species. In addition, this alteration is predicted to be deleterious by in silico analysis. Since supporting evidence is limited at this time, the clinical significance of this alteration remains unclear.

NM_000890.5(KCNJ5):c.148C>A (p.Arg50Ser)

Gene: KCNJ5 (potassium inwardly rectifying channel subfamily J member 5; plus strand). Cytogenetic location: 11q24.3.
Variant type: single nucleotide variant.
Coding change: c.148C>A on transcript NM_000890.5 (MANE Select); coding-DNA position 148, C replaced by A.
Protein change: p.Arg50Ser; replaces arginine 50 with serine.
Molecular consequence: missense variant.
Genome position (GRCh38, 1-based): chr11:128,911,421, C>A. VCF-style: chr11-128911421-C-A. GRCh37 (hg19) VCF-style: chr11-128781316-C-A.
Other names: c.148C>A, p.Arg50Ser (NM_001354169.2); short protein forms R50S.
Identifiers: ClinVar variation 3232293 (VCV003232293.1), dbSNP rs781011854, ClinGen allele CA383246177.